The following is an entry in ClinVar:

NM_024876.4(COQ8B):c.768G>A (p.Ala256=)

Gene: COQ8B (coenzyme Q8B; minus strand). Cytogenetic location: 19q13.2.
Variant type: single nucleotide variant.
Coding change: c.768G>A on transcript NM_024876.4 (MANE Select); coding-DNA position 768, G replaced by A.
Protein change: p.Ala256=; no amino-acid change (alanine 256 retained).
Molecular consequence: synonymous variant.
Genome position (GRCh38, 1-based): chr19:40,703,572, C>T on the plus strand (G>A on the coding strand, the complement: COQ8B is on the minus strand). VCF-style: chr19-40703572-C-T. GRCh37 (hg19) VCF-style: chr19-41209477-C-T.
Other names: c.645G>A, p.Ala215= (NM_001142555.3).
Identifiers: ClinVar variation 379940 (VCV000379940.18), dbSNP rs11538385, ClinGen allele CA9450288.

ClinVar aggregate classification (germline): Benign. Review status: criteria provided, multiple submitters, no conflicts (2 of 4 stars). 7 submissions from 7 submitters: Benign (6). 1 of the submissions does not count toward it. Last evaluated 2026-02-04.

Conditions:
Nephrotic syndrome, type 9 (NPHS9). Identifiers: Orphanet 656, MedGen C3809965, MONDO:0014257, OMIM 615573.

Allele frequency attached by ClinVar (database versions not stated): gnomAD 0.22464 and 0.23054; 1000 Genomes Project 30x 0.22751; TOPMed 0.22778; 1000 Genomes Project 0.22943; ESP Exome Variant Server 0.23197; gnomAD exomes 0.26884 and 0.28774; ExAC 0.27578.
gnomAD v4.1: 453,789 of 1,608,596 alleles (28%); highest among the groups gnomAD compares: South Asian, 38%; 66,943 homozygotes.

Submissions (7):

Labcorp Genetics (formerly Invitae), Labcorp
Classification: Benign. Last evaluated: 2026-02-04. Review status: criteria provided, single submitter. Criteria: Invitae Variant Classification Sherloc (09022015). Collection method: clinical testing. Allele origin: germline.

Blueprint Genetics
Classification: Benign. Last evaluated: 2024-11-28. Review status: criteria provided, single submitter. Criteria: ACMG Guidelines, 2015. Collection method: clinical testing. Allele origin: germline.

Unidad de Genómica Garrahan, Hospital de Pediatría Garrahan
Classification: Benign. Last evaluated: 2024-07-15. Review status: criteria provided, single submitter. Criteria: ACMG Guidelines, 2015. Collection method: clinical testing. Allele origin: germline. Affected: no. Observed: 43 variant alleles.
Comment: This variant is classified as Benign based on local population frequency. This variant was detected in 46% of patients studied in a panel designed for Epileptic and Developmental Encephalopathy and Progressive Myoclonus Epilepsy. Number of patients: 43. Only high quality variants are reported.

Genome-Nilou Lab
Classification: Benign for Nephrotic syndrome, type 9. Last evaluated: 2021-07-14. Review status: criteria provided, single submitter. Criteria: ACMG Guidelines, 2015. Collection method: clinical testing. Allele origin: germline. Affected: no.

GeneDx
Classification: Benign. Last evaluated: 2016-01-19. Review status: criteria provided, single submitter. Criteria: GeneDx Variant Classification (06012015). Collection method: clinical testing. Allele origin: germline. Affected: yes.
Comment: This variant is considered likely benign or benign based on one or more of the following criteria: it is a conservative change, it occurs at a poorly conserved position in the protein, it is predicted to be benign by multiple in silico algorithms, and/or has population frequency not consistent with disease.

Breakthrough Genomics
Classification: Benign. Review status: criteria provided, single submitter. Criteria: ACMG Guidelines, 2015. Collection method: not provided. Allele origin: germline. Inheritance: Autosomal recessive inheritance. Affected: yes.

Mayo Clinic Laboratories, Mayo Clinic
Classification: Benign. Last evaluated: 2016-02-19. Review status: no assertion criteria provided. Collection method: clinical testing. Allele origin: unknown. Not counted in ClinVar's aggregate classification.